The following is an entry in ClinVar:

ClinVar aggregate classification (germline): Uncertain significance (1 of 4 stars; one submission).

Conditions:
Hypertrophic cardiomyopathy 11. Also called: ACTC1-Related Familial Hypertrophic Cardiomyopathy. Identifiers: MedGen C2677506, MONDO:0012799, OMIM 612098.
Dilated cardiomyopathy 1R (CMD1R). Identifiers: Orphanet 154, Orphanet 54260, MedGen C3150681, MONDO:0013261, OMIM 613424.
Atrial septal defect 5 (ASD5). Identifiers: Orphanet 1478, MedGen C2748552, MONDO:0013011, OMIM 612794.

Submission:

Labcorp Genetics (formerly Invitae), Labcorp
Classification: Uncertain significance for Dilated cardiomyopathy 1R; Hypertrophic cardiomyopathy 11; Atrial septal defect 5. Last evaluated: 2021-08-04. Review status: criteria provided, single submitter. Criteria: Invitae Variant Classification Sherloc (09022015). Collection method: clinical testing. Allele origin: germline.
Comment: This sequence change replaces aspartic acid with tyrosine at codon 365 of the ACTC1 protein (p.Asp365Tyr). The aspartic acid residue is highly conserved and there is a large physicochemical difference between aspartic acid and tyrosine. This variant is not present in population databases (ExAC no frequency). This variant has not been reported in the literature in individuals with ACTC1-related conditions. Algorithms developed to predict the effect of missense changes on protein structure and function (SIFT, PolyPhen-2, Align-GVGD) all suggest that this variant is likely to be disruptive, but these predictions have not been confirmed by published functional studies and their clinical significance is uncertain. In summary, the available evidence is currently insufficient to determine the role of this variant in disease. Therefore, it has been classified as a Variant of Uncertain Significance.

NM_005159.5(ACTC1):c.1093G>T (p.Asp365Tyr)

Genes: ACTC1 (actin alpha cardiac muscle 1; minus strand), GJD2-DT (GJD2 divergent transcript; plus strand). Cytogenetic location: 15q14.
Variant type: single nucleotide variant.
Coding change: c.1093G>T on transcript NM_005159.5 (MANE Select); coding-DNA position 1093, G replaced by T.
Protein change: p.Asp365Tyr; replaces aspartic acid 365 with tyrosine.
Molecular consequence: missense variant.
Genome position (GRCh38, 1-based): chr15:34,790,453, C>A on the plus strand (G>T on the coding strand, the complement: ACTC1 is on the minus strand). VCF-style: chr15-34790453-C-A. GRCh37 (hg19) VCF-style: chr15-35082654-C-A.
Other names: short protein forms D365Y.
Identifiers: ClinVar variation 1511714 (VCV001511714.8), dbSNP rs2140428952, ClinGen allele CA391628695.
Genomic context (GRCh38, chr15:34,790,453, plus strand): 5'-GATGGAGAGAGAAGGCATCTTAGAAGCATTTGCGGTGGACAATGGATGGGCCTGCCTCAT[C>A]GTACTCTTGCTTGCTAATCCACATTTGCTGGAAGGTGGACAGAGAGGCCAGGATGGAGCC-3'
Protein context (NP_005150.1, residues 355-375): QQMWISKQEY[Asp365Tyr]EAGPSIVHRK